The following is an entry in ClinVar:

ClinVar aggregate classification (germline): Uncertain significance (1 of 4 stars; one submission).

Conditions:
Tuberous sclerosis 2 (TSC2). Identifiers: Orphanet 805, MedGen C1860707, MONDO:0013199, OMIM 613254.

Submission:

Labcorp Genetics (formerly Invitae), Labcorp
Classification: Uncertain significance for Tuberous sclerosis 2. Last evaluated: 2023-03-02. Review status: criteria provided, single submitter. Criteria: Invitae Variant Classification Sherloc (09022015). Collection method: clinical testing. Allele origin: germline.
Comment: This variant is not present in population databases (gnomAD no frequency). This variant has not been reported in the literature in individuals affected with TSC2-related conditions. Advanced modeling of protein sequence and biophysical properties (such as structural, functional, and spatial information, amino acid conservation, physicochemical variation, residue mobility, and thermodynamic stability) performed at Invitae indicates that this missense variant is not expected to disrupt TSC2 protein function. In summary, the available evidence is currently insufficient to determine the role of this variant in disease. Therefore, it has been classified as a Variant of Uncertain Significance. This sequence change replaces tyrosine, which is neutral and polar, with phenylalanine, which is neutral and non-polar, at codon 643 of the TSC2 protein (p.Tyr643Phe).

NM_000548.5(TSC2):c.1928A>T (p.Tyr643Phe)

Gene: TSC2 (TSC complex subunit 2; plus strand). Cytogenetic location: 16p13.3.
Variant type: single nucleotide variant.
Coding change: c.1928A>T on transcript NM_000548.5 (MANE Select); coding-DNA position 1928, A replaced by T.
Protein change: p.Tyr643Phe; replaces tyrosine 643 with phenylalanine.
Molecular consequence: missense variant. On other transcripts: non-coding transcript variant (5).
Genome position (GRCh38, 1-based): chr16:2,071,598, A>T. VCF-style: chr16-2071598-A-T. GRCh37 (hg19) VCF-style: chr16-2121599-A-T.
Other names: c.1928A>T, p.Tyr643Phe (NM_001077183.3, NM_001114382.3, NM_001363528.2 and 6 more transcripts); c.1817A>T, p.Tyr606Phe (NM_001318827.2, NM_001406670.1, NM_001406678.1); c.1781A>T, p.Tyr594Phe (NM_001318829.2, NM_001406675.1, NM_001406676.1 and 1 more transcripts); c.1328A>T, p.Tyr443Phe (NM_001318831.2, NM_001406680.1, NM_001406682.1 and 6 more transcripts); c.1961A>T, p.Tyr654Phe (NM_001318832.2); c.1466A>T, p.Tyr489Phe (NM_001406681.1); c.2018A>T, p.Tyr673Phe (NM_001406667.1, NM_001406668.1); c.1916A>T, p.Tyr639Phe (NM_001406671.1, NM_001406673.1); and 3 more; short protein forms Y443F, Y624F, Y643F, Y109F, Y639F, Y195F, Y489F, Y594F.
Identifiers: ClinVar variation 2842027 (VCV002842027.3), dbSNP rs1319342312, ClinGen allele CA394273309.